The following is an entry in ClinVar:

ClinVar aggregate classification (germline): Uncertain significance. Review status: criteria provided, multiple submitters, no conflicts (2 of 4 stars). 2 submissions from 2 submitters: Uncertain significance (2). Last evaluated 2019-07-24.

Conditions:
Bethlem myopathy 1A. Also called: Bethlem myopathy 1; MYOPATHY, BENIGN CONGENITAL, WITH CONTRACTURES; Bethlem Muscular Dystrophy. Identifiers: Orphanet 610, MedGen CN029274, MONDO:0024530, OMIM 158810.

Submissions (2):

Labcorp Genetics (formerly Invitae), Labcorp
Classification: Uncertain significance for Bethlem myopathy 1A. Last evaluated: 2019-07-24. Review status: criteria provided, single submitter. Criteria: Invitae Variant Classification Sherloc (09022015). Collection method: clinical testing. Allele origin: germline.
Comment: This sequence change replaces arginine with glutamine at codon 1742 of the COL6A3 protein (p.Arg1742Gln). The arginine residue is moderately conserved and there is a small physicochemical difference between arginine and glutamine. This variant is not present in population databases (ExAC no frequency). This variant has been observed in an individual affected with limb-girdle muscular dystrophy (PMID: 30564623). ClinVar contains an entry for this variant (Variation ID: 284381). Algorithms developed to predict the effect of missense changes on protein structure and function are either unavailable or do not agree on the potential impact of this missense change (SIFT: "Tolerated"; PolyPhen-2: "Probably Damaging"; Align-GVGD: "Class C0"). Algorithms developed to predict the effect of sequence changes on RNA splicing suggest that this variant may create or strengthen a splice site, but this prediction has not been confirmed by published transcriptional studies. In summary, the available evidence is currently insufficient to determine the role of this variant in disease. Therefore, it has been classified as a Variant of Uncertain Significance.

Eurofins Ntd Llc (ga)
Classification: Uncertain significance. Last evaluated: 2015-11-03. Review status: criteria provided, single submitter. Criteria: EGL Classification Definitions 2015. Collection method: clinical testing. Allele origin: germline. Observed: 1 variant allele, 1 heterozygote.

Literature cited by the submitters: PubMed 30564623 (cited by Labcorp Genetics (formerly Invitae), Labcorp).

NM_004369.4(COL6A3):c.5225G>A (p.Arg1742Gln)

Gene: COL6A3 (collagen type VI alpha 3 chain; minus strand). Cytogenetic location: 2q37.3.
Variant type: single nucleotide variant.
Coding change: c.5225G>A on transcript NM_004369.4 (MANE Select); coding-DNA position 5225, G replaced by A.
Protein change: p.Arg1742Gln; replaces arginine 1742 with glutamine.
Molecular consequence: missense variant.
Genome position (GRCh38, 1-based): chr2:237,366,962, C>T on the plus strand (G>A on the coding strand, the complement: COL6A3 is on the minus strand). VCF-style: chr2-237366962-C-T. GRCh37 (hg19) VCF-style: chr2-238275605-C-T.
Other names: c.3404G>A, p.Arg1135Gln (NM_057166.5); c.4607G>A, p.Arg1536Gln (NM_057167.4); short protein forms R1742Q, R1536Q, R1135Q.
Identifiers: ClinVar variation 284381 (VCV000284381.14), dbSNP rs886042855, ClinGen allele CA10604777.